The following is an entry in ClinVar:

NM_000214.3(JAG1):c.1349-16C>G

Gene: JAG1 (jagged canonical Notch ligand 1; minus strand). Cytogenetic location: 20p12.2.
Variant type: single nucleotide variant.
Coding change: c.1349-16C>G on transcript NM_000214.3 (MANE Select); 16 bases into the intron before coding-DNA position 1349, C replaced by G.
Molecular consequence: intron variant.
Genome position (GRCh38, 1-based): chr20:10,649,123, G>C on the plus strand (C>G on the coding strand, the complement: JAG1 is on the minus strand). VCF-style: chr20-10649123-G-C. GRCh37 (hg19) VCF-style: chr20-10629771-G-C.
Other names: c.1349-16C>G (LRG_1191t1).
Identifiers: ClinVar variation 389283 (VCV000389283.1), dbSNP rs1057523387, ClinGen allele CA16608332.

ClinVar aggregate classification (germline): Likely benign (1 of 4 stars; one submission).

Submission:

GeneDx
Classification: Likely benign. Last evaluated: 2016-09-08. Review status: criteria provided, single submitter. Criteria: GeneDx Variant Classification (06012015). Collection method: clinical testing. Allele origin: germline. Affected: yes.
Comment: This variant is considered likely benign or benign based on one or more of the following criteria: it is a conservative change, it occurs at a poorly conserved position in the protein, it is predicted to be benign by multiple in silico algorithms, and/or has population frequency not consistent with disease.